The following is an entry in ClinVar:

NM_001048174.2(MUTYH):c.85_90del (p.Asn29_Ser30del)

Gene: MUTYH (mutY DNA glycosylase; minus strand). Cytogenetic location: 1p34.1.
Variant type: Deletion.
Coding change: c.85_90del on transcript NM_001048174.2 (MANE Select); coding-DNA positions 85 to 90, 6 bases deleted (AACAGT; older notation c.85_90delAACAGT).
Protein change: p.Asn29_Ser30del.
Molecular consequence: 5 prime UTR variant (on NM_001407075.1). On other transcripts: non-coding transcript variant (7).
Genome position (GRCh38, 1-based): chr1:45,334,416-45,334,421, ACTGTT deleted on the plus strand (AACAGT on the coding strand, the reverse complement: MUTYH is on the minus strand). VCF-style (leftmost placement, unchanged base first): chr1-45334415-GACTGTT-G. GRCh37 (hg19) VCF-style: chr1-45800087-GACTGTT-G.
Other names: c.85_90del, p.Asn29_Ser30del (NM_001407072.1, NM_001407077.1, NM_001407078.1 and 15 more transcripts); c.127_132del, p.Asn43_Ser44del (NM_001407073.1, NM_012222.3, NM_001128425.2 and 2 more transcripts); c.-72_-67del (NM_001407075.1); c.-123_-118del (NM_001407082.1, NM_001350651.2); c.103_108del, p.Asn35_Ser36del (NM_001407087.1); c.-128_-123del (NM_001407091.1, NM_001293192.2, NM_001293196.2); c.-187_-182del (NM_001350650.2).
Identifiers: ClinVar variation 2676897 (VCV002676897.2), dbSNP rs1645562764, ClinGen allele CA1001245634.

ClinVar aggregate classification (germline): Uncertain significance. Review status: criteria provided, multiple submitters, no conflicts (2 of 4 stars). 2 submissions from 2 submitters: Uncertain significance (2). Last evaluated 2025-04-01.

Conditions:
Familial adenomatous polyposis 2. Also called: COLORECTAL ADENOMATOUS POLYPOSIS, AUTOSOMAL RECESSIVE; ADENOMAS, MULTIPLE COLORECTAL, AUTOSOMAL RECESSIVE; FAP type 2; MUTYH Polyposis; MYH-associated polyposis; Adenomas, multiple colorectal. Identifiers: Orphanet 220460, Orphanet 247798, MedGen C3272841, MONDO:0012041, OMIM 608456.

Allele frequency attached by ClinVar (database versions not stated): gnomAD 0.00001.

Submissions (2):

Labcorp Genetics (formerly Invitae), Labcorp
Classification: Uncertain significance for Familial adenomatous polyposis 2. Last evaluated: 2025-04-01. Review status: criteria provided, single submitter. Criteria: Invitae Variant Classification Sherloc (09022015). Collection method: clinical testing. Allele origin: germline.
Comment: This variant, c.127_132del, results in the deletion of 2 amino acid(s) of the MUTYH protein (p.Asn43_Ser44del), but otherwise preserves the integrity of the reading frame. This variant is not present in population databases (gnomAD no frequency). This variant has not been reported in the literature in individuals affected with MUTYH-related conditions. ClinVar contains an entry for this variant (Variation ID: 2676897). Experimental studies and prediction algorithms are not available or were not evaluated, and the functional significance of this variant is currently unknown. In summary, the available evidence is currently insufficient to determine the role of this variant in disease. Therefore, it has been classified as a Variant of Uncertain Significance.

Baylor Genetics
Classification: Uncertain significance for Familial adenomatous polyposis 2. Last evaluated: 2023-08-05. Review status: criteria provided, single submitter. Criteria: ACMG Guidelines, 2015. Collection method: clinical testing. Allele origin: unknown.